The following is an entry in ClinVar:

NM_000388.4(CASR):c.2410G>T (p.Ala804Ser)

Gene: CASR (calcium sensing receptor; plus strand). Cytogenetic location: 3q21.1.
Variant type: single nucleotide variant.
Coding change: c.2410G>T on transcript NM_000388.4 (MANE Select); coding-DNA position 2410, G replaced by T.
Protein change: p.Ala804Ser; replaces alanine 804 with serine.
Molecular consequence: missense variant.
Genome position (GRCh38, 1-based): chr3:122,284,364, G>T. VCF-style: chr3-122284364-G-T. GRCh37 (hg19) VCF-style: chr3-122003211-G-T.
Other names: c.2440G>T, p.Ala814Ser (NM_001178065.2); short protein forms A804S, A814S.
Identifiers: ClinVar variation 1386432 (VCV001386432.8), dbSNP rs777219967, ClinGen allele CA2569823.

ClinVar aggregate classification (germline): Uncertain significance. Review status: criteria provided, multiple submitters, no conflicts (2 of 4 stars). 2 submissions from 2 submitters: Uncertain significance (2). Last evaluated 2021-09-29.

Conditions:
Nephrolithiasis/nephrocalcinosis. Identifiers: MedGen CN580796.
Familial hypocalciuric hypercalcemia (FHH). Also called: Familial benign hypercalcemia. Identifiers: Orphanet 405, MedGen C1809471, MONDO:0018458.
Autosomal dominant hypocalcemia 1 (HYPOC1). Also called: HYPOCALCEMIA, FAMILIAL. Identifiers: MedGen C3715128, MONDO:0011013, OMIM 601198.

Allele frequency attached by ClinVar (database versions not stated): TOPMed below 0.00001; gnomAD exomes 0.00001; ExAC 0.00002.
gnomAD v4.1: 3 of 1,614,072 alleles (0.00019%); highest among the groups gnomAD compares: Non-Finnish European, 0.00025%; no homozygotes.

Submissions (2):

Labcorp Genetics (formerly Invitae), Labcorp
Classification: Uncertain significance for Familial hypocalciuric hypercalcemia; Autosomal dominant hypocalcemia 1. Last evaluated: 2021-09-29. Review status: criteria provided, single submitter. Criteria: Invitae Variant Classification Sherloc (09022015). Collection method: clinical testing. Allele origin: germline.
Comment: Algorithms developed to predict the effect of missense changes on protein structure and function are either unavailable or do not agree on the potential impact of this missense change (SIFT: "Deleterious"; PolyPhen-2: "Possibly Damaging"; Align-GVGD: "Class C0"). This variant has not been reported in the literature in individuals affected with CASR-related conditions. This variant is present in population databases (rs777219967, ExAC 0.003%). This sequence change replaces alanine with serine at codon 804 of the CASR protein (p.Ala804Ser). The alanine residue is highly conserved and there is a moderate physicochemical difference between alanine and serine. In summary, the available evidence is currently insufficient to determine the role of this variant in disease. Therefore, it has been classified as a Variant of Uncertain Significance.

Ambry Genetics
Classification: Uncertain significance for Nephrolithiasis/nephrocalcinosis. Last evaluated: 2021-08-15. Review status: criteria provided, single submitter. Criteria: Ambry Variant Classification Scheme 2023. Collection method: clinical testing. Allele origin: germline.
Comment: The p.A804S variant (also known as c.2410G>T), located in coding exon 6 of the CASR gene, results from a G to T substitution at nucleotide position 2410. The alanine at codon 804 is replaced by serine, an amino acid with similar properties. This amino acid position is conserved. In addition, this alteration is predicted to be deleterious by in silico analysis. Since supporting evidence is limited at this time, the clinical significance of this alteration remains unclear.